The following is an entry in ClinVar:

NM_001197104.2(KMT2A):c.2986T>C (p.Ser996Pro)

Gene: KMT2A (lysine methyltransferase 2A; plus strand). Cytogenetic location: 11q23.3.
Variant type: single nucleotide variant.
Coding change: c.2986T>C on transcript NM_001197104.2 (MANE Select); coding-DNA position 2986, T replaced by C.
Protein change: p.Ser996Pro; replaces serine 996 with proline.
Molecular consequence: missense variant.
Genome position (GRCh38, 1-based): chr11:118,474,145, T>C. VCF-style: chr11-118474145-T-C. GRCh37 (hg19) VCF-style: chr11-118344860-T-C.
Other names: c.2986T>C, p.Ser996Pro (NM_005933.4); short protein forms S996P.
Identifiers: ClinVar variation 1184386 (VCV001184386.2), dbSNP rs1949992868, ClinGen allele CA382819254.

ClinVar aggregate classification (germline): Uncertain significance. Review status: criteria provided, multiple submitters, no conflicts (2 of 4 stars). 2 submissions from 2 submitters: Uncertain significance (2). Last evaluated 2023-02-24.

Conditions:
Wiedemann-Steiner syndrome (WDSTS). Also called: Growth deficiency and mental retardation with facial dysmorphism. Identifiers: Orphanet 319182, MedGen C1854630, MONDO:0011518, OMIM 605130.

Allele frequency attached by ClinVar (database versions not stated): TOPMed 0.00001.
gnomAD v4.1: 1 of 1,614,202 alleles (0.000062%); no homozygotes.

Submissions (2):

Greenwood Genetic Center Diagnostic Laboratories, Greenwood Genetic Center
Classification: Uncertain significance. Last evaluated: 2023-02-24. Review status: criteria provided, single submitter. Criteria: ACMG Guidelines, 2015. Collection method: clinical testing. Allele origin: germline. Affected: yes.
Comment: PM2, PP2

New York Genome Center
Classification: Uncertain significance for Wiedemann-Steiner syndrome. Last evaluated: 2020-06-19. Review status: criteria provided, single submitter. Criteria: NYGC Assertion Criteria 2020. Collection method: clinical testing. Allele origin: inherited. Observed: 1 heterozygote. Study: CSER-NYCKidSeq.